The following is an entry in ClinVar:

NM_004482.4(GALNT3):c.*186C>T

Gene: GALNT3 (polypeptide N-acetylgalactosaminyltransferase 3; minus strand). Cytogenetic location: 2q24.3.
Variant type: single nucleotide variant.
Coding change: c.*186C>T on transcript NM_004482.4 (MANE Select); 186 bases downstream of the stop codon, C replaced by T.
Molecular consequence: 3 prime UTR variant.
Genome position (GRCh38, 1-based): chr2:165,748,595, G>A on the plus strand (C>T on the coding strand, the complement: GALNT3 is on the minus strand). VCF-style: chr2-165748595-G-A. GRCh37 (hg19) VCF-style: chr2-166605105-G-A.
Identifiers: ClinVar variation 894426 (VCV000894426.5), dbSNP rs183674066, ClinGen allele CA59741662.

ClinVar aggregate classification (germline): Benign/Likely benign. Review status: criteria provided, multiple submitters, no conflicts (2 of 4 stars). 2 submissions from 2 submitters: Benign (1); Likely benign (1). Last evaluated 2021-05-25.

Conditions:
Tumoral calcinosis, hyperphosphatemic, familial, 1. Also called: CALCINOSIS, TUMORAL, WITH HYPERPHOSPHATEMIA; LIPOCALCINOGRANULOMATOSIS; MORBUS TEUTSCHLAENDER; HYPEROSTOSIS WITH HYPERPHOSPHATEMIA; HYPEROSTOSIS-HYPERPHOSPHATEMIA SYNDROME; CORTICAL HYPEROSTOSIS WITH HYPERPHOSPHATEMIA. Identifiers: Orphanet 53715, MedGen C4692564, MONDO:0100252, OMIM 211900.

Allele frequency attached by ClinVar (database versions not stated): gnomAD exomes 0.00084; gnomAD 0.00565 and 0.00613; TOPMed 0.00646; 1000 Genomes Project 30x 0.00687; 1000 Genomes Project 0.00699.
gnomAD v4.1: 1,233 of 593,424 alleles (0.21%); highest among the groups gnomAD compares: African/African-American, 2%; 8 homozygotes.

Submissions (2):

GeneDx
Classification: Likely benign. Last evaluated: 2021-05-25. Review status: criteria provided, single submitter. Criteria: GeneDx Variant Classification Process June 2021. Collection method: clinical testing. Allele origin: germline. Affected: yes.

Illumina Laboratory Services, Illumina
Classification: Benign for Tumoral calcinosis, hyperphosphatemic, familial, 1. Last evaluated: 2018-01-13. Review status: criteria provided, single submitter. Criteria: ICSL Variant Classification Criteria 13 December 2019. Collection method: clinical testing. Allele origin: germline.
Comment: This variant was observed in the ICSL laboratory as part of a predisposition screen in an ostensibly healthy population. It had not been previously curated by ICSL or reported in the Human Gene Mutation Database (HGMD: prior to June 1st, 2018), and was therefore a candidate for classification through an automated scoring system. Utilizing variant allele frequency, disease prevalence and penetrance estimates, and inheritance mode, an automated score was calculated to assess if this variant is too frequent to cause the disease. Based on the score and internal cut-off values, a variant classified as benign is not then subjected to further curation. The score for this variant resulted in a classification of benign for this disease.